The following is an entry in ClinVar:

NM_001145809.2(MYH14):c.1825G>C (p.Gly609Arg)

Gene: MYH14 (myosin heavy chain 14; plus strand). Cytogenetic location: 19q13.33.
Variant type: single nucleotide variant.
Coding change: c.1825G>C on transcript NM_001145809.2 (MANE Select); coding-DNA position 1825, G replaced by C.
Protein change: p.Gly609Arg; replaces glycine 609 with arginine.
Molecular consequence: missense variant.
Genome position (GRCh38, 1-based): chr19:50,250,683, G>C. VCF-style: chr19-50250683-G-C. GRCh37 (hg19) VCF-style: chr19-50753940-G-C.
Other names: c.1825G>C, p.Gly609Arg (NM_001077186.2); c.1801G>C, p.Gly601Arg (NM_024729.4); short protein forms G601R, G609R.
Identifiers: ClinVar variation 2663102 (VCV002663102.1), dbSNP rs2514362423, ClinGen allele CA406960465.

ClinVar aggregate classification (germline): Uncertain significance (1 of 4 stars; one submission).

Submission:

GeneDx
Classification: Uncertain significance. Last evaluated: 2023-05-10. Review status: criteria provided, single submitter. Criteria: GeneDx Variant Classification Process June 2021. Collection method: clinical testing. Allele origin: germline. Affected: yes.
Comment: Not observed at significant frequency in large population cohorts (gnomAD); In silico analysis supports that this missense variant has a deleterious effect on protein structure/function; Has not been previously published as pathogenic or benign to our knowledge